The following is an entry in ClinVar:

NM_001113407.3(LDB1):c.196C>T (p.Gln66Ter)

Genes: LDB1 (LIM domain binding 1; minus strand), LOC126861021 (CDK7 strongly-dependent group 2 enhancer GRCh37_chr10:103870016-103871215; plus strand). Cytogenetic location: 10q24.32.
Variant type: single nucleotide variant.
Coding change: c.196C>T on transcript NM_001113407.3 (MANE Select); coding-DNA position 196, C replaced by T.
Protein change: p.Gln66Ter; replaces glutamine 66 with a stop codon.
Molecular consequence: nonsense.
Genome position (GRCh38, 1-based): chr10:102,111,122, G>A on the plus strand (C>T on the coding strand, the complement: LDB1 is on the minus strand). VCF-style: chr10-102111122-G-A. GRCh37 (hg19) VCF-style: chr10-103870879-G-A.
Other names: c.196C>T, p.Gln66Ter (NM_001321612.2); c.88C>T, p.Gln30Ter (NM_003893.5); short protein forms Q30*, Q66*.
Identifiers: ClinVar variation 4818735 (VCV004818735.1).

ClinVar aggregate classification (germline): Pathogenic (1 of 4 stars; one submission).

Conditions:
Autosomal dominant non-syndromic intellectual disability. Identifiers: Orphanet 178469, MedGen C5680502, MONDO:0015802.

Submission:

Department of Human Genetics, University Hospital Bern, Inselspital
Classification: Pathogenic for Autosomal dominant non-syndromic intellectual disability. Last evaluated: 2026-03-23. Review status: criteria provided, single submitter. Criteria: ACMG Guidelines, 2015. Collection method: clinical testing. Allele origin: de novo. Affected: yes.
Comment: The variant leads to an early stop codon likely resulting in nonsense-mediated mRNA decay. In summary, criteria PVS1, PS2_Supporting and PM2_Supporting were used.